The following is an entry in ClinVar:

ClinVar aggregate classification (germline): Uncertain significance. Review status: criteria provided, multiple submitters, no conflicts (2 of 4 stars). 2 submissions from 2 submitters: Uncertain significance (2). Last evaluated 2019-07-13.

Conditions:
Hereditary cancer-predisposing syndrome. Also called: Neoplastic Syndromes, Hereditary; Tumor predisposition; Hereditary neoplastic syndrome; Hereditary Cancer Syndrome. Identifiers: Orphanet 140162, MedGen C0027672, MeSH D009386, MONDO:0015356.

Submissions (2):

Ambry Genetics
Classification: Uncertain significance for Hereditary cancer-predisposing syndrome. Last evaluated: 2019-07-13. Review status: criteria provided, single submitter. Criteria: Ambry Variant Classification Scheme 2023. Collection method: clinical testing. Allele origin: germline.
Comment: The p.M779I variant (also known as c.2337G>T), located in coding exon 14 of the RAD50 gene, results from a G to T substitution at nucleotide position 2337. The methionine at codon 779 is replaced by isoleucine, an amino acid with highly similar properties. This amino acid position is not well conserved in available vertebrate species. In addition, this alteration is predicted to be tolerated by in silico analysis. Since supporting evidence is limited at this time, the clinical significance of this alteration remains unclear.

Labcorp Genetics (formerly Invitae), Labcorp
Classification: Uncertain significance for Hereditary cancer-predisposing syndrome. Last evaluated: 2018-04-08. Review status: criteria provided, single submitter. Criteria: Invitae Variant Classification Sherloc (09022015). Collection method: clinical testing. Allele origin: germline.
Comment: This sequence change replaces methionine with isoleucine at codon 779 of the RAD50 protein (p.Met779Ile). The methionine residue is weakly conserved and there is a small physicochemical difference between methionine and isoleucine. This variant is not present in population databases (ExAC no frequency). This variant has not been reported in the literature in individuals with RAD50-related disease. Algorithms developed to predict the effect of missense changes on protein structure and function output the following: SIFT: "Tolerated"; PolyPhen-2: "Benign"; Align-GVGD: "Class C0". The isoleucine amino acid residue is found in multiple mammalian species, suggesting that this missense change does not adversely affect protein function. These predictions have not been confirmed by published functional studies and their clinical significance is uncertain. In summary, the available evidence is currently insufficient to determine the role of this variant in disease. Therefore, it has been classified as a Variant of Uncertain Significance.

NM_005732.4(RAD50):c.2337G>T (p.Met779Ile)

Gene: RAD50 (RAD50 double strand break repair protein; plus strand). Cytogenetic location: 5q31.1.
Variant type: single nucleotide variant.
Coding change: c.2337G>T on transcript NM_005732.4 (MANE Select); coding-DNA position 2337, G replaced by T.
Protein change: p.Met779Ile; replaces methionine 779 with isoleucine.
Molecular consequence: missense variant.
Genome position (GRCh38, 1-based): chr5:132,603,429, G>T. VCF-style: chr5-132603429-G-T. GRCh37 (hg19) VCF-style: chr5-131939121-G-T.
Other names: short protein forms M779I.
Identifiers: ClinVar variation 579241 (VCV000579241.13), dbSNP rs1032014108, ClinGen allele CA127257764.